The following is an entry in ClinVar:

ClinVar aggregate classification (germline): Uncertain significance (1 of 4 stars; one submission).

Conditions:
Gastrointestinal stromal tumor. Also called: Gastrointestinal stroma tumor; Gastrointestinal stromal tumor, somatic. Identifiers: Orphanet 44890, MedGen C0238198, MeSH D046152, MONDO:0011719, OMIM 606764, HP:0100723.

Submission:

Labcorp Genetics (formerly Invitae), Labcorp
Classification: Uncertain significance for Gastrointestinal stromal tumor. Last evaluated: 2021-07-15. Review status: criteria provided, single submitter. Criteria: Invitae Variant Classification Sherloc (09022015). Collection method: clinical testing. Allele origin: germline.
Comment: In summary, the available evidence is currently insufficient to determine the role of this variant in disease. Therefore, it has been classified as a Variant of Uncertain Significance. Algorithms developed to predict the effect of missense changes on protein structure and function (SIFT, PolyPhen-2, Align-GVGD) all suggest that this variant is likely to be disruptive. This variant has not been reported in the literature in individuals affected with KIT-related conditions. This variant is not present in population databases (ExAC no frequency). This sequence change replaces tyrosine with histidine at codon 747 of the KIT protein (p.Tyr747His). The tyrosine residue is highly conserved and there is a moderate physicochemical difference between tyrosine and histidine.

NM_000222.3(KIT):c.2239T>C (p.Tyr747His)

Gene: KIT (KIT proto-oncogene, receptor tyrosine kinase; plus strand). Cytogenetic location: 4q12.
Variant type: single nucleotide variant.
Coding change: c.2239T>C on transcript NM_000222.3 (MANE Select); coding-DNA position 2239, T replaced by C.
Protein change: p.Tyr747His; replaces tyrosine 747 with histidine.
Molecular consequence: missense variant.
Genome position (GRCh38, 1-based): chr4:54,731,876, T>C. VCF-style: chr4-54731876-T-C. GRCh37 (hg19) VCF-style: chr4-55598042-T-C.
Other names: c.2227T>C, p.Tyr743His (NM_001093772.2, NM_001385292.1); c.2242T>C, p.Tyr748His (NM_001385284.1); c.2236T>C, p.Tyr746His (NM_001385285.1); c.2224T>C, p.Tyr742His (NM_001385286.1); c.2230T>C, p.Tyr744His (NM_001385288.1); c.2239T>C, p.Tyr747His (NM_001385290.1); short protein forms Y746H, Y747H, Y748H, Y743H, Y742H, Y744H.
Identifiers: ClinVar variation 1404306 (VCV001404306.15), dbSNP rs2109794892, ClinGen allele CA356910824.